The following is an entry in ClinVar:

ClinVar aggregate classification (germline): Likely benign. Review status: criteria provided, multiple submitters, no conflicts (2 of 4 stars). 2 submissions from 2 submitters: Likely benign (2). Last evaluated 2023-01-05.

Allele frequency attached by ClinVar (database versions not stated): gnomAD 0.00001; gnomAD exomes 0.00001; TOPMed 0.00001.
gnomAD v4.1: 9 of 1,597,694 alleles (0.00056%); highest among the groups gnomAD compares: Non-Finnish European, 0.00076%; no homozygotes.

Submissions (2):

Labcorp Genetics (formerly Invitae), Labcorp
Classification: Likely benign. Last evaluated: 2023-01-05. Review status: criteria provided, single submitter. Criteria: Invitae Variant Classification Sherloc (09022015). Collection method: clinical testing. Allele origin: germline.

CeGaT Center for Human Genetics Tuebingen
Classification: Likely benign. Last evaluated: 2022-10-01. Review status: criteria provided, single submitter. Criteria: CeGaT Center For Human Genetics Tuebingen Variant Classification Criteria Version 2. Collection method: clinical testing. Allele origin: germline. Affected: yes. Observed: 1 variant allele.
Comment: SZT2: BP4, BP7

NM_001365999.1(SZT2):c.651C>T (p.Asp217=)

Gene: SZT2 (SZT2 subunit of KICSTOR complex; plus strand). Cytogenetic location: 1p34.2.
Variant type: single nucleotide variant.
Coding change: c.651C>T on transcript NM_001365999.1 (MANE Select); coding-DNA position 651, C replaced by T.
Protein change: p.Asp217=; no amino-acid change (aspartic acid 217 retained).
Molecular consequence: synonymous variant.
Genome position (GRCh38, 1-based): chr1:43,415,980, C>T. VCF-style: chr1-43415980-C-T. GRCh37 (hg19) VCF-style: chr1-43881651-C-T.
Other names: c.651C>T, p.Asp217= (NM_015284.4).
Identifiers: ClinVar variation 2638748 (VCV002638748.27), dbSNP rs1260503096, ClinGen allele CA417433839.